The following is an entry in ClinVar:

ClinVar aggregate classification (germline): Likely pathogenic. Review status: criteria provided, multiple submitters, no conflicts (2 of 4 stars). 2 submissions from 2 submitters: Likely pathogenic (2). Last evaluated 2025-09-10.

Conditions:
EAST syndrome (SESAMES). Also called: SEIZURES, SENSORINEURAL DEAFNESS, ATAXIA, IMPAIRED INTELLECTUAL DEVELOPMENT, AND ELECTROLYTE IMBALANCE. Identifiers: Orphanet 199343, MedGen C2748572, MONDO:0013005, OMIM 612780.

Submissions (2):

Genomic Medicine Center of Excellence, King Faisal Specialist Hospital and Research Centre
Classification: Likely pathogenic for EAST syndrome. Last evaluated: 2025-09-10. Review status: criteria provided, single submitter. Criteria: ACMG Guidelines, 2015. Collection method: clinical testing. Allele origin: germline.

GeneDx
Classification: Likely pathogenic. Last evaluated: 2016-12-30. Review status: criteria provided, single submitter. Criteria: GeneDx Variant Classification (06012015). Collection method: clinical testing. Allele origin: germline. Affected: yes.
Comment: c.-1+1 G>T: IVS1+1 G>T in intron 1 of the KCNJ10 gene (NM_002241.4). The c.-1+1 G>T variant in the KCNJ10 gene has not been reported previously as a disease-causing mutation nor as a benign polymorphism, to our knowledge. This variant is predicted to destroy the canonical splice donor site of intron 1. This variant could disrupt the promotor region of the KCNJ10 gene including the Kozak sequence, which is the region of the promoter that plays a role in the initiation of protein translation. However, in the absence of RNA/functional studies, the actual effect of the c.-1+1 G>T sequence change in this fetus is unknown. Therefore, based on the currently available information, c.-1+1 G>T is a strong candidate for a disease-causing mutation, although the possibility that it is a benign variant cannot be excluded. The c.-1+1 G>T variant in the KCNJ10 gene has not been reported previously as a disease-causing mutation nor as a benign polymorphism, to our knowledge. This variant is predicted to destroy the canonical splice donor site of intron 1. This variant could disrupt the promotor region of the KCNJ10 gene including the Kozak sequence, which is the region of the promoter that plays a role in the initiation of protein translation. However, in the absence of RNA/functional studies, the actual effect of the c.-1+1 G>T sequence change in this fetus is unknown. Therefore, based on the currently available information, c.-1+1 G>T is a strong candidate for a disease-causing mutation, although the possibility that it is a benign variant cannot be excluded. The variant is found in INFANT-EPI panel(s).

NM_002241.5(KCNJ10):c.-1+1G>T

Gene: KCNJ10 (potassium inwardly rectifying channel subfamily J member 10; minus strand). Cytogenetic location: 1q23.2.
Variant type: single nucleotide variant.
Coding change: c.-1+1G>T on transcript NM_002241.5 (MANE Select); the canonical splice donor site of the intron after 1 bases upstream of the start codon, G replaced by T.
Molecular consequence: splice donor variant.
Genome position (GRCh38, 1-based): chr1:160,070,021, C>A on the plus strand (G>T on the coding strand, the complement: KCNJ10 is on the minus strand). VCF-style: chr1-160070021-C-A. GRCh37 (hg19) VCF-style: chr1-160039811-C-A.
Identifiers: ClinVar variation 205825 (VCV000205825.3), dbSNP rs796052606, ClinGen allele CA315277.
Genomic context (GRCh38, chr1:160,070,021, plus strand): 5'-AGTTAGGGGGACAGGACCCGGCCGGGGCGGCAGAACTCCTTCATCAGGGCCAGGGTCTTA[C>A]CTTGGGTCCGAGGTGGAGTGGCCCCTTGGATGGGCCGCGGGGCAGCGGGACAGATGGACG-3'